The following is an entry in ClinVar:

NC_000001.10:g.(?_197407677)_(197411422_?)del

Gene: CRB1 (crumbs cell polarity complex component 1; plus strand). Cytogenetic location: 1q31.3.
Variant type: Deletion.
Identifiers: ClinVar variation 1076361 (VCV001076361.1).

ClinVar aggregate classification (germline): Pathogenic (1 of 4 stars; one submission).

Conditions:
Retinitis pigmentosa 12 (RP12). Also called: RP WITH OR WITHOUT PPRPE; RP WITH OR WITHOUT PRESERVED PARAARTERIOLE RETINAL PIGMENT EPITHELIUM; RETINITIS PIGMENTOSA WITH OR WITHOUT PARAARTERIOLAR PRESERVATION OF RETINAL PIGMENT EPITHELIUM. Identifiers: Orphanet 791, MedGen C1838647, MONDO:0010818, OMIM 600105.
Leber congenital amaurosis 8 (LCA8). Identifiers: Orphanet 65, MedGen C3151202, MONDO:0013453, OMIM 613835.

Submission:

Labcorp Genetics (formerly Invitae), Labcorp
Classification: Pathogenic for Leber congenital amaurosis 8; Retinitis pigmentosa 12. Last evaluated: 2020-05-22. Review status: criteria provided, single submitter. Criteria: Invitae Variant Classification Sherloc (09022015). Collection method: clinical testing. Allele origin: germline.
Comment: This variant is a sub-genic deletion of the genomic region encompassing exons 10-11 of the CRB1 gene. While this deletion is not anticipated to result in nonsense mediated decay, it is expected to create a truncated protein product. This variant has not been reported in the literature in individuals with CRB1-related conditions. This variant disrupts the C-terminus of the CRB1 protein. Another variant that disrupts this region (p.Arg1390*) have been determined to be pathogenic (PMID: 23379534, 29068479, 24715753). This suggests that variants that disrupt this region of the protein are likely to be causative of disease. For these reasons, this variant has been classified as Pathogenic.

Literature cited by the submitters: PubMed 23379534; PubMed 29068479; PubMed 24715753.